The following is an entry in ClinVar:

NM_015909.4(NBAS):c.1596del (p.Lys533fs)

Gene: NBAS (NBAS subunit of NRZ tethering complex; minus strand). Cytogenetic location: 2p24.3.
Variant type: Deletion.
Coding change: c.1596del on transcript NM_015909.4 (MANE Select); coding-DNA position 1596, one base deleted (G; older notation c.1596delG).
Protein change: p.Lys533fs; shifts the reading frame from lysine 533.
Molecular consequence: frameshift variant. On other transcripts: non-coding transcript variant (1).
Genome position (GRCh38, 1-based): chr2:15,474,070, C deleted on the plus strand (G on the coding strand, the reverse complement: NBAS is on the minus strand); the first of 2 consecutive C bases (chr2:15,474,070-15,474,071); deleting either gives the same sequence. VCF-style (leftmost placement, unchanged base first): chr2-15474069-TC-T. GRCh37 (hg19) VCF-style: chr2-15614193-TC-T.
Other names: short protein forms K533fs.
Identifiers: ClinVar variation 2063807 (VCV002063807.4), dbSNP rs1680077561, ClinGen allele CA2490912588.

ClinVar aggregate classification (germline): Pathogenic (1 of 4 stars; one submission).

Submission:

Labcorp Genetics (formerly Invitae), Labcorp
Classification: Pathogenic. Last evaluated: 2021-12-28. Review status: criteria provided, single submitter. Criteria: Invitae Variant Classification Sherloc (09022015). Collection method: clinical testing. Allele origin: germline.
Comment: For these reasons, this variant has been classified as Pathogenic. This variant has not been reported in the literature in individuals affected with NBAS-related conditions. This variant is not present in population databases (gnomAD no frequency). This sequence change creates a premature translational stop signal (p.Lys533Argfs*43) in the NBAS gene. It is expected to result in an absent or disrupted protein product. Loss-of-function variants in NBAS are known to be pathogenic (PMID: 26073778, 26541327, 27789416, 28031453).

Literature cited by the submitters: PubMed 26073778; PubMed 26541327; PubMed 27789416; PubMed 28031453.